The following is an entry in ClinVar:

ClinVar aggregate classification (germline): Uncertain significance. Review status: criteria provided, multiple submitters, no conflicts (2 of 4 stars). 3 submissions from 3 submitters: Uncertain significance (3). Last evaluated 2025-12-23.

Conditions:
Hereditary cancer-predisposing syndrome. Also called: Hereditary Cancer Syndrome; Hereditary neoplastic syndrome; Neoplastic Syndromes, Hereditary; Tumor predisposition. Identifiers: Orphanet 140162, MedGen C0027672, MeSH D009386, MONDO:0015356.
Facial dysmorphism-immunodeficiency-livedo-short stature syndrome. Also called: Facial dysmorphism, immunodeficiency, livedo, and short stature; FILS syndrome. Identifiers: Orphanet 352712, MedGen C3554576, MONDO:0014058, OMIM 615139.
Colorectal cancer, susceptibility to, 12 (CRCS12). Also called: COLORECTAL CANCER, SUSCEPTIBILITY TO, ON CHROMOSOME 12q24. Identifiers: Orphanet 220460, MedGen C3554460, MONDO:0014038, OMIM 615083.
Intrauterine growth retardation, metaphyseal dysplasia, adrenal hypoplasia congenita, genital anomalies, and immunodeficiency. Also called: IMAGEI SYNDROME. Identifiers: MedGen C5193036, MONDO:0032684, OMIM 618336.

Allele frequency attached by ClinVar (database versions not stated): TOPMed 0.00001.
gnomAD v4.1: 3 of 1,613,584 alleles (0.00019%); highest among the groups gnomAD compares: African/African-American, 0.0013%; no homozygotes.

Submissions (3):

Labcorp Genetics (formerly Invitae), Labcorp
Classification: Uncertain significance. Last evaluated: 2025-12-23. Review status: criteria provided, single submitter. Criteria: Invitae Variant Classification Sherloc (09022015). Collection method: clinical testing. Allele origin: germline.
Comment: This sequence change replaces valine, which is neutral and non-polar, with leucine, which is neutral and non-polar, at codon 2108 of the POLE protein (p.Val2108Leu). This variant is not present in population databases (gnomAD no frequency). This variant has not been reported in the literature in individuals affected with POLE-related conditions. ClinVar contains an entry for this variant (Variation ID: 405699). Invitae Evidence Modeling of protein sequence and biophysical properties (such as structural, functional, and spatial information, amino acid conservation, physicochemical variation, residue mobility, and thermodynamic stability) indicates that this missense variant is not expected to disrupt POLE protein function with a negative predictive value of 80%. In summary, the available evidence is currently insufficient to determine the role of this variant in disease. Therefore, it has been classified as a Variant of Uncertain Significance.

Ambry Genetics
Classification: Uncertain significance for Hereditary cancer-predisposing syndrome. Last evaluated: 2024-12-23. Review status: criteria provided, single submitter. Criteria: Ambry Variant Classification Scheme 2023. Collection method: clinical testing. Allele origin: germline.
Comment: The p.V2108L variant (also known as c.6322G>T), located in coding exon 45 of the POLE gene, results from a G to T substitution at nucleotide position 6322. The valine at codon 2108 is replaced by leucine, an amino acid with highly similar properties. This amino acid position is highly conserved in available vertebrate species. In addition, this alteration is predicted to be tolerated by in silico analysis. Based on the available evidence, the clinical significance of this variant remains unclear.

Fulgent Genetics
Classification: Uncertain significance for Colorectal cancer, susceptibility to, 12; Facial dysmorphism-immunodeficiency-livedo-short stature syndrome; Intrauterine growth retardation, metaphyseal dysplasia, adrenal hypoplasia congenita, genital anomalies, and immunodeficiency. Last evaluated: 2024-06-11. Review status: criteria provided, single submitter. Criteria: ACMG Guidelines, 2015. Collection method: clinical testing. Allele origin: germline.

NM_006231.4(POLE):c.6322G>T (p.Val2108Leu)

Gene: POLE (DNA polymerase epsilon, catalytic subunit; minus strand). Cytogenetic location: 12q24.33.
Variant type: single nucleotide variant.
Coding change: c.6322G>T on transcript NM_006231.4 (MANE Select); coding-DNA position 6322, G replaced by T.
Protein change: p.Val2108Leu; replaces valine 2108 with leucine.
Molecular consequence: missense variant.
Genome position (GRCh38, 1-based): chr12:132,632,323, C>A on the plus strand (G>T on the coding strand, the complement: POLE is on the minus strand). VCF-style: chr12-132632323-C-A. GRCh37 (hg19) VCF-style: chr12-133208909-C-A.
Other names: c.6322G>T (NM_006231.2); short protein forms V2108L.
Identifiers: ClinVar variation 405699 (VCV000405699.9), dbSNP rs776551240, ClinGen allele CA16613762.